The following is an entry in ClinVar:

ClinVar aggregate classification (germline): Uncertain significance (1 of 4 stars; one submission).

Allele frequency attached by ClinVar (database versions not stated): TOPMed below 0.00001; gnomAD 0.00001; gnomAD exomes 0.00001.
gnomAD v4.1: 13 of 1,613,784 alleles (0.00081%); highest among the groups gnomAD compares: Non-Finnish European, 0.001%; no homozygotes.

Submission:

Labcorp Genetics (formerly Invitae), Labcorp
Classification: Uncertain significance. Last evaluated: 2023-05-07. Review status: criteria provided, single submitter. Criteria: Invitae Variant Classification Sherloc (09022015). Collection method: clinical testing. Allele origin: germline.
Comment: In summary, the available evidence is currently insufficient to determine the role of this variant in disease. Therefore, it has been classified as a Variant of Uncertain Significance. Advanced modeling of protein sequence and biophysical properties (such as structural, functional, and spatial information, amino acid conservation, physicochemical variation, residue mobility, and thermodynamic stability) performed at Invitae indicates that this missense variant is not expected to disrupt NEFH protein function. This sequence change replaces glutamic acid, which is acidic and polar, with aspartic acid, which is acidic and polar, at codon 348 of the NEFH protein (p.Glu348Asp). This variant is present in population databases (no rsID available, gnomAD 0.007%). This variant has not been reported in the literature in individuals affected with NEFH-related conditions.

NM_021076.4(NEFH):c.1044G>C (p.Glu348Asp)

Gene: NEFH (neurofilament heavy chain; plus strand). Cytogenetic location: 22q12.2.
Variant type: single nucleotide variant.
Coding change: c.1044G>C on transcript NM_021076.4 (MANE Select); coding-DNA position 1044, G replaced by C.
Protein change: p.Glu348Asp; replaces glutamic acid 348 with aspartic acid.
Molecular consequence: missense variant.
Genome position (GRCh38, 1-based): chr22:29,483,535, G>C. VCF-style: chr22-29483535-G-C. GRCh37 (hg19) VCF-style: chr22-29879524-G-C.
Other names: short protein forms E348D.
Identifiers: ClinVar variation 2775882 (VCV002775882.3), dbSNP rs1475562664, ClinGen allele CA411125651.